The following is an entry in ClinVar:

NM_212482.4(FN1):c.4588T>G (p.Leu1530Val)

Gene: FN1 (fibronectin 1; minus strand). Cytogenetic location: 2q35.
Variant type: single nucleotide variant.
Coding change: c.4588T>G on transcript NM_212482.4 (MANE Select); coding-DNA position 4588, T replaced by G.
Protein change: p.Leu1530Val; replaces leucine 1530 with valine.
Molecular consequence: missense variant.
Genome position (GRCh38, 1-based): chr2:215,386,713, A>C on the plus strand (T>G on the coding strand, the complement: FN1 is on the minus strand). VCF-style: chr2-215386713-A-C. GRCh37 (hg19) VCF-style: chr2-216251436-A-C.
Other names: c.4588T>G, p.Leu1530Val (NM_001306129.2, NM_001306130.2, NM_001365517.2 and 3 more transcripts); c.4315T>G, p.Leu1439Val (NM_001306131.2, NM_001306132.2, NM_001365518.2 and 7 more transcripts); short protein forms L1439V, L1530V.
Identifiers: ClinVar variation 2441535 (VCV002441535.6), dbSNP rs1012955423, ClinGen allele CA64858875.

ClinVar aggregate classification (germline): Uncertain significance. Review status: criteria provided, multiple submitters, no conflicts (2 of 4 stars). 2 submissions from 2 submitters: Uncertain significance (2). Last evaluated 2023-05-28.

Allele frequency attached by ClinVar (database versions not stated): gnomAD exomes 0.00001; TOPMed 0.00001.
gnomAD v4.1: 15 of 1,613,802 alleles (0.00093%); highest among the groups gnomAD compares: Admixed American, 0.0033%; no homozygotes.

Submissions (2):

Labcorp Genetics (formerly Invitae), Labcorp
Classification: Uncertain significance. Last evaluated: 2023-05-28. Review status: criteria provided, single submitter. Criteria: Invitae Variant Classification Sherloc (09022015). Collection method: clinical testing. Allele origin: germline.
Comment: This variant is present in population databases (no rsID available, gnomAD 0.006%). This sequence change replaces leucine, which is neutral and non-polar, with valine, which is neutral and non-polar, at codon 1530 of the FN1 protein (p.Leu1530Val). In summary, the available evidence is currently insufficient to determine the role of this variant in disease. Therefore, it has been classified as a Variant of Uncertain Significance. An algorithm developed to predict the effect of missense changes on protein structure and function (PolyPhen-2) suggests that this variant is likely to be tolerated. ClinVar contains an entry for this variant (Variation ID: 2441535). This variant has not been reported in the literature in individuals affected with FN1-related conditions.

Revvity Omics, Revvity
Classification: Uncertain significance. Last evaluated: 2021-08-06. Review status: criteria provided, single submitter. Criteria: ACMG Guidelines, 2015. Collection method: clinical testing. Allele origin: germline.